The following is an entry in ClinVar:

NM_000051.4(ATM):c.1191del (p.Asp398fs)

Gene: ATM (ATM serine/threonine kinase; plus strand). Cytogenetic location: 11q22.3.
Variant type: Deletion.
Coding change: c.1191del on transcript NM_000051.4 (MANE Select); coding-DNA position 1191, one base deleted (A; older notation c.1191delA).
Protein change: p.Asp398fs; shifts the reading frame from aspartic acid 398.
Molecular consequence: frameshift variant.
Genome position (GRCh38, 1-based): chr11:108,249,058, A deleted; the last of 4 consecutive A bases (chr11:108,249,055-108,249,058); deleting any one gives the same sequence. VCF-style (leftmost placement, unchanged base first): chr11-108249054-TA-T. GRCh37 (hg19) VCF-style: chr11-108119781-TA-T.
Other names: c.1191del, p.Asp398fs (NM_001351834.2); short protein forms D398fs.
Identifiers: ClinVar variation 2767090 (VCV002767090.3), dbSNP rs2079998938, ClinGen allele CA2697548983.
Genomic context (GRCh38, chr11:108,249,054, plus strand): 5'-AATCTAGTGATTACAGTGTCCCTTGCAAAAGGAAGAAAATAGAACTAGGCTGGGAAGTAA[TA>T]AAAGATCACCTTCAGAAGTCACAGAATGATTTTGATCTTGTGCCTTGGTAAAGTGTTACC-3'

ClinVar aggregate classification (germline): Pathogenic (1 of 4 stars; one submission).

Conditions:
Ataxia-telangiectasia syndrome (AT). Also called: Ataxia-telangiectasia, complementation group D; LOUIS-BAR SYNDROME; ATAXIA-TELANGIECTASIA, COMPLEMENTATION GROUP A; ATAXIA-TELANGIECTASIA, FRESNO VARIANT; Ataxia telangiectasia (A-T); Cerebello-oculocutaneous telangiectasia. Identifiers: Orphanet 100, MedGen C0004135, MONDO:0008840, OMIM 208900.

Submission:

Labcorp Genetics (formerly Invitae), Labcorp
Classification: Pathogenic for Ataxia-telangiectasia syndrome. Last evaluated: 2023-10-09. Review status: criteria provided, single submitter. Criteria: Invitae Variant Classification Sherloc (09022015). Collection method: clinical testing. Allele origin: germline.
Comment: This sequence change creates a premature translational stop signal (p.Asp398Ilefs*22) in the ATM gene. It is expected to result in an absent or disrupted protein product. Loss-of-function variants in ATM are known to be pathogenic (PMID: 23807571, 25614872). This variant is not present in population databases (gnomAD no frequency). This variant has not been reported in the literature in individuals affected with ATM-related conditions. For these reasons, this variant has been classified as Pathogenic.

Literature cited by the submitters: PubMed 23807571; PubMed 25614872.